The following is an entry in ClinVar:

NM_004525.3(LRP2):c.770-5C>T

Gene: LRP2 (LDL receptor related protein 2; minus strand). Cytogenetic location: 2q31.1.
Variant type: single nucleotide variant.
Coding change: c.770-5C>T on transcript NM_004525.3 (MANE Select); 5 bases into the intron before coding-DNA position 770, C replaced by T.
Molecular consequence: intron variant.
Genome position (GRCh38, 1-based): chr2:169,291,002, G>A on the plus strand (C>T on the coding strand, the complement: LRP2 is on the minus strand). VCF-style: chr2-169291002-G-A. GRCh37 (hg19) VCF-style: chr2-170147512-G-A.
Other names: c.770-5C>T (NM_004525.2).
Identifiers: ClinVar variation 1666767 (VCV001666767.10), dbSNP rs180797349, ClinGen allele CA537972098.

ClinVar aggregate classification (germline): Likely benign. Review status: criteria provided, single submitter (1 of 4 stars). 2 submissions from 2 submitters: Likely benign (1). 1 of the submissions does not count toward it. Last evaluated 2023-08-05.

Conditions:
LRP2-related disorder. Also called: LRP2-related condition.

gnomAD v4.1: 2 of 1,612,978 alleles (0.00012%); highest among the groups gnomAD compares: Admixed American, 0.0017%; no homozygotes.

Submissions (2):

Labcorp Genetics (formerly Invitae), Labcorp
Classification: Likely benign. Last evaluated: 2023-08-05. Review status: criteria provided, single submitter. Criteria: Invitae Variant Classification Sherloc (09022015). Collection method: clinical testing. Allele origin: germline.

PreventionGenetics, part of Exact Sciences
Classification: Likely benign for LRP2-related condition. Last evaluated: 2023-03-07. Review status: no assertion criteria provided. Collection method: clinical testing. Allele origin: germline. Not counted in ClinVar's aggregate classification.
Comment: This variant is classified as likely benign based on ACMG/AMP sequence variant interpretation guidelines (Richards et al. 2015 PMID: 25741868, with internal and published modifications).